The following is an entry in ClinVar:

ClinVar aggregate classification (germline): Uncertain significance (1 of 4 stars; one submission).

Allele frequency attached by ClinVar (database versions not stated): gnomAD exomes below 0.00001; TOPMed below 0.00001; gnomAD 0.00001.
gnomAD v4.1: 3 of 1,613,614 alleles (0.00019%); highest among the groups gnomAD compares: Non-Finnish European, 0.00017%; no homozygotes.

Submission:

Labcorp Genetics (formerly Invitae), Labcorp
Classification: Uncertain significance. Last evaluated: 2025-09-29. Review status: criteria provided, single submitter. Criteria: Invitae Variant Classification Sherloc (09022015). Collection method: clinical testing. Allele origin: germline.
Comment: This sequence change replaces glutamic acid, which is acidic and polar, with lysine, which is basic and polar, at codon 37 of the CD46 protein (p.Glu37Lys). This variant is present in population databases (no rsID available, gnomAD 0.007%). This variant has not been reported in the literature in individuals affected with CD46-related conditions. ClinVar contains an entry for this variant (Variation ID: 2167008). Invitae Evidence Modeling of protein sequence and biophysical properties (such as structural, functional, and spatial information, amino acid conservation, physicochemical variation, residue mobility, and thermodynamic stability) indicates that this missense variant is not expected to disrupt CD46 protein function with a negative predictive value of 80%. In summary, the available evidence is currently insufficient to determine the role of this variant in disease. Therefore, it has been classified as a Variant of Uncertain Significance.

NM_172351.3(CD46):c.109G>A (p.Glu37Lys)

Gene: CD46 (CD46 molecule; plus strand). Cytogenetic location: 1q32.2.
Variant type: single nucleotide variant.
Coding change: c.109G>A on transcript NM_172351.3 (MANE Select); coding-DNA position 109, G replaced by A.
Protein change: p.Glu37Lys; replaces glutamic acid 37 with lysine.
Molecular consequence: missense variant.
Genome position (GRCh38, 1-based): chr1:207,757,025, G>A. VCF-style: chr1-207757025-G-A. GRCh37 (hg19) VCF-style: chr1-207930370-G-A.
Other names: c.109G>A, p.Glu37Lys (NM_002389.4, NM_153826.4, NM_172350.3 and 8 more transcripts); short protein forms E37K.
Identifiers: ClinVar variation 2167008 (VCV002167008.4), dbSNP rs1417333803, ClinGen allele CA344547916.